The following is an entry in ClinVar:

ClinVar aggregate classification (germline): Uncertain significance (1 of 4 stars; one submission).

Allele frequency attached by ClinVar (database versions not stated): gnomAD exomes below 0.00001.
gnomAD v4.1: 1 of 1,594,520 alleles (0.000063%); no homozygotes.

Submission:

GeneDx
Classification: Uncertain significance. Last evaluated: 2019-06-12. Review status: criteria provided, single submitter. Criteria: GeneDx Variant Classification Process June 2021. Collection method: clinical testing. Allele origin: germline. Affected: yes.
Comment: Not observed in large population cohorts (Lek et al., 2016); In silico analysis, which includes protein predictors and evolutionary conservation, supports a deleterious effect; Has not been previously published as pathogenic or benign to our knowledge; A different missense substitution at this residue (L622R) has been reported in an individual with a personal and family history of protein S deficiency (Makris et al., 2000)

NM_000313.4(PROS1):c.1865T>C (p.Leu622Pro)

Gene: PROS1 (protein S; minus strand). Cytogenetic location: 3q11.1.
Variant type: single nucleotide variant.
Coding change: c.1865T>C on transcript NM_000313.4 (MANE Select); coding-DNA position 1865, T replaced by C.
Protein change: p.Leu622Pro; replaces leucine 622 with proline.
Molecular consequence: missense variant.
Genome position (GRCh38, 1-based): chr3:93,876,971, A>G on the plus strand (T>C on the coding strand, the complement: PROS1 is on the minus strand). VCF-style: chr3-93876971-A-G. GRCh37 (hg19) VCF-style: chr3-93595815-A-G.
Other names: c.1961T>C, p.Leu654Pro (NM_001314077.2); short protein forms L622P, L654P.
Identifiers: ClinVar variation 1302468 (VCV001302468.2), dbSNP rs2107124933, ClinGen allele CA353670824.